The following is an entry in ClinVar:

ClinVar aggregate classification (germline): Benign (1 of 4 stars; one submission).

Conditions:
Landau-Kleffner syndrome (FESD). Also called: APHASIA, ACQUIRED, WITH EPILEPSY; EPILEPSY, FOCAL, WITH SPEECH DISORDER AND WITH OR WITHOUT MENTAL RETARDATION. Identifiers: Orphanet 1945, Orphanet 725, Orphanet 98818, MedGen C0282512, MONDO:0009509, OMIM 245570.

Allele frequency attached by ClinVar (database versions not stated): gnomAD exomes 0.00034; TOPMed 0.00168; gnomAD 0.00153 and 0.00144; 1000 Genomes Project 0.00220; 1000 Genomes Project 30x 0.00156.

Submission:

Illumina Laboratory Services, Illumina
Classification: Benign for Landau-Kleffner syndrome. Last evaluated: 2018-01-13. Review status: criteria provided, single submitter. Criteria: ICSL Variant Classification Criteria 13 December 2019. Collection method: clinical testing. Allele origin: germline.
Comment: This variant was observed in the ICSL laboratory as part of a predisposition screen in an ostensibly healthy population. It had not been previously curated by ICSL or reported in the Human Gene Mutation Database (HGMD: prior to June 1st, 2018), and was therefore a candidate for classification through an automated scoring system. Utilizing variant allele frequency, disease prevalence and penetrance estimates, and inheritance mode, an automated score was calculated to assess if this variant is too frequent to cause the disease. Based on the score and internal cut-off values, a variant classified as benign is not then subjected to further curation. The score for this variant resulted in a classification of benign for this disease.

NM_001134407.3(GRIN2A):c.*5720C>G

Gene: GRIN2A (glutamate ionotropic receptor NMDA type subunit 2A; minus strand). Cytogenetic location: 16p13.2.
Variant type: single nucleotide variant.
Coding change: c.*5720C>G on transcript NM_001134407.3 (MANE Select); 5720 bases downstream of the stop codon, C replaced by G.
Molecular consequence: 3 prime UTR variant.
Genome position (GRCh38, 1-based): chr16:9,757,429, G>C on the plus strand (C>G on the coding strand, the complement: GRIN2A is on the minus strand). VCF-style: chr16-9757429-G-C. GRCh37 (hg19) VCF-style: chr16-9851286-G-C.
Other names: c.*5720C>G (NM_000833.5); c.*5926C>G (NM_001134408.2).
Identifiers: ClinVar variation 888253 (VCV000888253.4), dbSNP rs9922737, ClinGen allele CA277530231.